The following is an entry in ClinVar:

ClinVar aggregate classification (germline): Uncertain significance (1 of 4 stars; one submission).

gnomAD v4.1: 1 of 1,614,156 alleles (0.000062%); highest among the groups gnomAD compares: Non-Finnish European, 0.000085%; no homozygotes.

Submission:

GeneDx
Classification: Uncertain significance. Last evaluated: 2024-05-22. Review status: criteria provided, single submitter. Criteria: GeneDx Variant Classification Process June 2021. Collection method: clinical testing. Allele origin: germline. Affected: yes.
Comment: Not observed at significant frequency in large population cohorts (gnomAD); In silico analysis supports that this missense variant has a deleterious effect on protein structure/function; Has not been previously published as pathogenic or benign to our knowledge

NM_000204.5(CFI):c.1276T>A (p.Tyr426Asn)

Gene: CFI (complement factor I; minus strand). Cytogenetic location: 4q25.
Variant type: single nucleotide variant.
Coding change: c.1276T>A on transcript NM_000204.5 (MANE Select); coding-DNA position 1276, T replaced by A.
Protein change: p.Tyr426Asn; replaces tyrosine 426 with asparagine.
Molecular consequence: missense variant. On other transcripts: non-coding transcript variant (2).
Genome position (GRCh38, 1-based): chr4:109,746,375, A>T on the plus strand (T>A on the coding strand, the complement: CFI is on the minus strand). VCF-style: chr4-109746375-A-T. GRCh37 (hg19) VCF-style: chr4-110667531-A-T.
Other names: c.1300T>A, p.Tyr434Asn (NM_001318057.2, NM_001375278.1); c.1255T>A, p.Tyr419Asn (NM_001331035.2, NM_001375280.1, NM_001375282.1); c.1276T>A, p.Tyr426Asn (NM_001375279.1, NM_001375281.1); c.1219T>A, p.Tyr407Asn (NM_001375283.1); c.667T>A, p.Tyr223Asn (NM_001375284.1); short protein forms Y223N, Y407N, Y419N, Y426N, Y434N.
Identifiers: ClinVar variation 3381673 (VCV003381673.1).